The following is an entry in ClinVar:

ClinVar aggregate classification (germline): Uncertain significance (1 of 4 stars; one submission).

Conditions:
Mosaic variegated aneuploidy syndrome 2 (MVA2). Identifiers: Orphanet 1052, MedGen C3279843, MONDO:0013582, OMIM 614114.

Allele frequency attached by ClinVar (database versions not stated): gnomAD exomes below 0.00001.
gnomAD v4.1: 4 of 1,613,828 alleles (0.00025%); highest among the groups gnomAD compares: Non-Finnish European, 0.00034%; no homozygotes.

Submission:

Labcorp Genetics (formerly Invitae), Labcorp
Classification: Uncertain significance for Mosaic variegated aneuploidy syndrome 2. Last evaluated: 2021-05-30. Review status: criteria provided, single submitter. Criteria: Invitae Variant Classification Sherloc (09022015). Collection method: clinical testing. Allele origin: germline.
Comment: In summary, the available evidence is currently insufficient to determine the role of this variant in disease. Therefore, it has been classified as a Variant of Uncertain Significance. Algorithms developed to predict the effect of missense changes on protein structure and function are either unavailable or do not agree on the potential impact of this missense change (SIFT: "Deleterious"; PolyPhen-2: "Probably Damaging"; Align-GVGD: "Class C15"). This variant has not been reported in the literature in individuals with CEP57-related conditions. This variant is not present in population databases (ExAC no frequency). This sequence change replaces glutamine with histidine at codon 228 of the CEP57 protein (p.Gln228His). The glutamine residue is highly conserved and there is a small physicochemical difference between glutamine and histidine.

NM_014679.5(CEP57):c.684A>C (p.Gln228His)

Gene: CEP57 (centrosomal protein 57; plus strand). Cytogenetic location: 11q21.
Variant type: single nucleotide variant.
Coding change: c.684A>C on transcript NM_014679.5 (MANE Select); coding-DNA position 684, A replaced by C.
Protein change: p.Gln228His; replaces glutamine 228 with histidine.
Molecular consequence: missense variant.
Genome position (GRCh38, 1-based): chr11:95,818,889, A>C. VCF-style: chr11-95818889-A-C. GRCh37 (hg19) VCF-style: chr11-95552053-A-C.
Other names: c.657A>C, p.Gln219His (NM_001243776.2); c.684A>C, p.Gln228His (NM_001243777.2); c.603A>C, p.Gln201His (NM_001363604.2); short protein forms Q228H, Q201H, Q219H.
Identifiers: ClinVar variation 1425795 (VCV001425795.8), dbSNP rs2135342248, ClinGen allele CA382424067.